The following is an entry in ClinVar:

ClinVar aggregate classification (germline): Uncertain significance. Review status: criteria provided, multiple submitters, no conflicts (2 of 4 stars). 2 submissions from 2 submitters: Uncertain significance (2). Last evaluated 2025-06-17.

Allele frequency attached by ClinVar (database versions not stated): ExAC 0.00001; gnomAD 0.00001; gnomAD exomes 0.00001; 1000 Genomes Project 30x 0.00016; 1000 Genomes Project 0.00020.
gnomAD v4.1: 6 of 1,613,852 alleles (0.00037%); highest among the groups gnomAD compares: South Asian, 0.0011%; no homozygotes.

Submissions (2):

Ambry Genetics
Classification: Uncertain significance. Last evaluated: 2025-06-17. Review status: criteria provided, single submitter. Criteria: Ambry Variant Classification Scheme 2023. Collection method: clinical testing. Allele origin: germline.

Labcorp Genetics (formerly Invitae), Labcorp
Classification: Uncertain significance. Last evaluated: 2024-01-12. Review status: criteria provided, single submitter. Criteria: Invitae Variant Classification Sherloc (09022015). Collection method: clinical testing. Allele origin: germline.
Comment: This sequence change replaces arginine, which is basic and polar, with tryptophan, which is neutral and slightly polar, at codon 210 of the ADGRA3 protein (p.Arg210Trp). This variant is present in population databases (rs575529822, gnomAD 0.01%). This variant has not been reported in the literature in individuals affected with ADGRA3-related conditions. ClinVar contains an entry for this variant (Variation ID: 1472522). An algorithm developed to predict the effect of missense changes on protein structure and function (PolyPhen-2) suggests that this variant is likely to be disruptive. In summary, the available evidence is currently insufficient to determine the role of this variant in disease. Therefore, it has been classified as a Variant of Uncertain Significance.

NM_145290.4(ADGRA3):c.628C>T (p.Arg210Trp)

Gene: ADGRA3 (adhesion G protein-coupled receptor A3; minus strand). Cytogenetic location: 4p15.2.
Variant type: single nucleotide variant.
Coding change: c.628C>T on transcript NM_145290.4 (MANE Select); coding-DNA position 628, C replaced by T.
Protein change: p.Arg210Trp; replaces arginine 210 with tryptophan.
Molecular consequence: missense variant.
Genome position (GRCh38, 1-based): chr4:22,445,051, G>A on the plus strand (C>T on the coding strand, the complement: ADGRA3 is on the minus strand). VCF-style: chr4-22445051-G-A. GRCh37 (hg19) VCF-style: chr4-22446674-G-A.
Other names: c.628C>T (NM_145290.2); short protein forms R210W.
Identifiers: ClinVar variation 1472522 (VCV001472522.7), dbSNP rs575529822, ClinGen allele CA2874187.